The following is an entry in ClinVar:

NM_001024383.2(NAV3):c.4297C>T (p.Arg1433Trp)

Gene: NAV3 (neuron navigator 3; plus strand). Cytogenetic location: 12q21.2.
Variant type: single nucleotide variant.
Coding change: c.4297C>T on transcript NM_001024383.2 (MANE Select); coding-DNA position 4297, C replaced by T.
Protein change: p.Arg1433Trp; replaces arginine 1433 with tryptophan.
Molecular consequence: missense variant.
Genome position (GRCh38, 1-based): chr12:78,128,722, C>T. VCF-style: chr12-78128722-C-T. GRCh37 (hg19) VCF-style: chr12-78522502-C-T.
Other names: c.2755C>T, p.Arg919Trp (NM_001438019.1); c.4297C>T, p.Arg1433Trp (NM_014903.6); short protein forms R919W, R1433W.
Identifiers: ClinVar variation 5009654 (VCV005009654.1).

ClinVar aggregate classification (germline): Uncertain significance (1 of 4 stars; one submission).

gnomAD v4.1: 14 of 1,613,724 alleles (0.00087%); highest among the groups gnomAD compares: Middle Eastern, 0.016%; no homozygotes.

Submission:

GeneDx
Classification: Uncertain significance. Last evaluated: 2026-02-15. Review status: criteria provided, single submitter. Criteria: GeneDx Variant Classification Process June 2021. Collection method: clinical testing. Allele origin: germline.
Comment: In silico analysis supports that this missense variant has a deleterious effect on protein structure/function; Has not been previously published as pathogenic or benign to our knowledge